The following is an entry in ClinVar:

NM_006514.4(SCN10A):c.4349G>A (p.Gly1450Asp)

Gene: SCN10A (sodium voltage-gated channel alpha subunit 10; minus strand). Cytogenetic location: 3p22.2.
Variant type: single nucleotide variant.
Coding change: c.4349G>A on transcript NM_006514.4 (MANE Select); coding-DNA position 4349, G replaced by A.
Protein change: p.Gly1450Asp; replaces glycine 1450 with aspartic acid.
Molecular consequence: missense variant.
Genome position (GRCh38, 1-based): chr3:38,707,316, C>T on the plus strand (G>A on the coding strand, the complement: SCN10A is on the minus strand). VCF-style: chr3-38707316-C-T. GRCh37 (hg19) VCF-style: chr3-38748807-C-T.
Other names: c.4346G>A, p.Gly1449Asp (NM_001293306.2); c.4055G>A, p.Gly1352Asp (NM_001293307.2); short protein forms G1450D, G1352D, G1449D.
Identifiers: ClinVar variation 2563703 (VCV002563703.2), dbSNP rs2470582712, ClinGen allele CA352148486.

ClinVar aggregate classification (germline): Uncertain significance (1 of 4 stars; one submission).

Conditions:
Cardiovascular phenotype. Identifiers: MedGen CN230736.

gnomAD v4.1: 1 of 1,614,112 alleles (0.000062%); highest among the groups gnomAD compares: Middle Eastern, 0.017%; no homozygotes.

Submission:

Ambry Genetics
Classification: Uncertain significance for Cardiovascular phenotype. Last evaluated: 2023-04-13. Review status: criteria provided, single submitter. Criteria: Ambry Variant Classification Scheme 2023. Collection method: clinical testing. Allele origin: germline.
Comment: The p.G1450D variant (also known as c.4349G>A), located in coding exon 25 of the SCN10A gene, results from a G to A substitution at nucleotide position 4349. The glycine at codon 1450 is replaced by aspartic acid, an amino acid with similar properties. This amino acid position is conserved. In addition, this alteration is predicted to be deleterious by in silico analysis. Since supporting evidence is limited at this time, the clinical significance of this alteration remains unclear.